The following is an entry in ClinVar:

NM_206937.2(LIG4):c.919A>G (p.Thr307Ala)

Gene: LIG4 (DNA ligase 4; minus strand). Cytogenetic location: 13q33.3.
Variant type: single nucleotide variant.
Coding change: c.919A>G on transcript NM_206937.2 (MANE Select); coding-DNA position 919, A replaced by G.
Protein change: p.Thr307Ala; replaces threonine 307 with alanine.
Molecular consequence: missense variant.
Genome position (GRCh38, 1-based): chr13:108,210,350, T>C on the plus strand (A>G on the coding strand, the complement: LIG4 is on the minus strand). VCF-style: chr13-108210350-T-C. GRCh37 (hg19) VCF-style: chr13-108862698-T-C.
Other names: c.718A>G, p.Thr240Ala (NM_001330595.2); c.919A>G, p.Thr307Ala (NM_001352598.2, NM_001098268.2, NM_001352599.2 and 6 more transcripts); c.955A>G, p.Thr319Ala (NM_001352604.2); short protein forms T319A, T240A, T307A.
Identifiers: ClinVar variation 1381718 (VCV001381718.3), dbSNP rs373471897, ClinGen allele CA7043776.

ClinVar aggregate classification (germline): Uncertain significance (1 of 4 stars; one submission).

Conditions:
DNA ligase IV deficiency. Identifiers: Orphanet 99812, MedGen C1847827, MONDO:0011686, OMIM 606593.

Allele frequency attached by ClinVar (database versions not stated): gnomAD 0.00001; TOPMed 0.00002.
gnomAD v4.1: 15 of 1,613,856 alleles (0.00093%); highest among the groups gnomAD compares: Middle Eastern, 0.016%; no homozygotes.

Submission:

Labcorp Genetics (formerly Invitae), Labcorp
Classification: Uncertain significance for DNA ligase IV deficiency. Last evaluated: 2022-10-24. Review status: criteria provided, single submitter. Criteria: Invitae Variant Classification Sherloc (09022015). Collection method: clinical testing. Allele origin: germline.
Comment: This sequence change replaces threonine, which is neutral and polar, with alanine, which is neutral and non-polar, at codon 307 of the LIG4 protein (p.Thr307Ala). This variant is present in population databases (rs373471897, gnomAD 0.02%). This variant has not been reported in the literature in individuals affected with LIG4-related conditions. ClinVar contains an entry for this variant (Variation ID: 1381718). Algorithms developed to predict the effect of missense changes on protein structure and function (SIFT, PolyPhen-2, Align-GVGD) all suggest that this variant is likely to be tolerated. In summary, the available evidence is currently insufficient to determine the role of this variant in disease. Therefore, it has been classified as a Variant of Uncertain Significance.